The following is an entry in ClinVar:

ClinVar aggregate classification (germline): Uncertain significance (1 of 4 stars; one submission).

Submission:

Labcorp Genetics (formerly Invitae), Labcorp
Classification: Uncertain significance. Last evaluated: 2022-06-13. Review status: criteria provided, single submitter. Criteria: Invitae Variant Classification Sherloc (09022015). Collection method: clinical testing. Allele origin: germline.
Comment: This variant has not been reported in the literature in individuals affected with PPP2CA-related conditions. This variant is not present in population databases (gnomAD no frequency). This sequence change replaces lysine, which is basic and polar, with glutamic acid, which is acidic and polar, at codon 21 of the PPP2CA protein (p.Lys21Glu). Algorithms developed to predict the effect of missense changes on protein structure and function (SIFT, PolyPhen-2, Align-GVGD) all suggest that this variant is likely to be tolerated. In summary, the available evidence is currently insufficient to determine the role of this variant in disease. Therefore, it has been classified as a Variant of Uncertain Significance.

NM_002715.4(PPP2CA):c.61A>G (p.Lys21Glu)

Genes: MIR3661 (microRNA 3661; plus strand), PPP2CA (protein phosphatase 2 catalytic subunit alpha; minus strand). Cytogenetic location: 5q31.1.
Variant type: single nucleotide variant.
Coding change: c.61A>G on transcript NM_002715.4 (MANE Select); coding-DNA position 61, A replaced by G.
Protein change: p.Lys21Glu; replaces lysine 21 with glutamic acid.
Molecular consequence: missense variant. On other transcripts: non-coding transcript variant (1).
Genome position (GRCh38, 1-based): chr5:134,225,801, T>C on the plus strand (A>G on the coding strand, the complement: PPP2CA is on the minus strand). VCF-style: chr5-134225801-T-C. GRCh37 (hg19) VCF-style: chr5-133561492-T-C.
Other names: short protein forms K21E.
Identifiers: ClinVar variation 2005964 (VCV002005964.4), dbSNP rs1461847477, ClinGen allele CA360996023.
Genomic context (GRCh38, chr5:134,225,801, plus strand): 5'-CAGCCGTACTACAGCTCACCTTCTCGCAGAGGCTCTTGACCTGGGACTCGGACAGCTGCT[T>C]GCACTCGTTCAGCTGCTCGATCCACTGGTCCAGCTCCTTGGTGAACACCTTCTCGTCCAT-3'
Protein context (NP_002706.1, residues 11-31): DQWIEQLNEC[Lys21Glu]QLSESQVKSL